The following is an entry in ClinVar:

ClinVar aggregate classification (germline): Uncertain significance. Review status: criteria provided, multiple submitters, no conflicts (2 of 4 stars). 2 submissions from 2 submitters: Uncertain significance (2). Last evaluated 2021-09-06.

Conditions:
Hermansky-Pudlak syndrome 2 (HPS2). Also called: Platelet defects and oculocutaneous albinism. Identifiers: Orphanet 183678, Orphanet 79430, MedGen C1842362, MONDO:0011997, OMIM 608233.

Allele frequency attached by ClinVar (database versions not stated): gnomAD exomes below 0.00001.
gnomAD v4.1: 3 of 1,614,074 alleles (0.00019%); highest among the groups gnomAD compares: Non-Finnish European, 0.00017%; no homozygotes.

Submissions (2):

Labcorp Genetics (formerly Invitae), Labcorp
Classification: Uncertain significance for Hermansky-Pudlak syndrome 2. Last evaluated: 2021-09-06. Review status: criteria provided, single submitter. Criteria: Invitae Variant Classification Sherloc (09022015). Collection method: clinical testing. Allele origin: germline.
Comment: This sequence change replaces tryptophan with leucine at codon 239 of the AP3B1 protein (p.Trp239Leu). The tryptophan residue is highly conserved and there is a small physicochemical difference between tryptophan and leucine. In summary, the available evidence is currently insufficient to determine the role of this variant in disease. Therefore, it has been classified as a Variant of Uncertain Significance. Algorithms developed to predict the effect of missense changes on protein structure and function are either unavailable or do not agree on the potential impact of this missense change (SIFT: "Deleterious"; PolyPhen-2: "Probably Damaging"; Align-GVGD: "Class C0"). This variant has not been reported in the literature in individuals affected with AP3B1-related conditions. This variant is not present in population databases (ExAC no frequency).

Blueprint Genetics
Classification: Uncertain significance. Last evaluated: 2020-05-14. Review status: criteria provided, single submitter. Criteria: ACMG Guidelines, 2015. Collection method: clinical testing. Allele origin: germline.

NM_003664.5(AP3B1):c.716G>T (p.Trp239Leu)

Gene: AP3B1 (adaptor related protein complex 3 subunit beta 1; minus strand). Cytogenetic location: 5q14.1.
Variant type: single nucleotide variant.
Coding change: c.716G>T on transcript NM_003664.5 (MANE Select); coding-DNA position 716, G replaced by T.
Protein change: p.Trp239Leu; replaces tryptophan 239 with leucine.
Molecular consequence: missense variant.
Genome position (GRCh38, 1-based): chr5:78,216,125, C>A on the plus strand (G>T on the coding strand, the complement: AP3B1 is on the minus strand). VCF-style: chr5-78216125-C-A. GRCh37 (hg19) VCF-style: chr5-77511949-C-A.
Other names: c.569G>T, p.Trp190Leu (NM_001271769.2); short protein forms W190L, W239L.
Identifiers: ClinVar variation 1379948 (VCV001379948.7), dbSNP rs869312837, ClinGen allele CA360190856.
Genomic context (GRCh38, chr5:78,216,125, plus strand): 5'-GGGCTGACAAACTGTGTCCGAGCATATCGAGTTAGCATGTGGATTATGACAACCTGCCCC[C>A]ACTCTTCAACATCCACTAGTAAGTTACATAGCTTGCGGTAATTTTTATGAATCAGATCTA-3'
Protein context (NP_003655.3, residues 229-249): LCNLLVDVEE[Trp239Leu]GQVVIIHMLT